The following is an entry in ClinVar:

ClinVar aggregate classification (germline): Conflicting classifications of pathogenicity. Review status: criteria provided, conflicting classifications (1 of 4 stars). 2 submissions from 2 submitters: Uncertain significance (1); Likely benign (1). Last evaluated 2023-10-29.

Conditions:
Chromosome 2q32-q33 deletion syndrome (GLASS). Also called: Glass syndrome; 2q33.1 deletion syndrome. Identifiers: Orphanet 251019, MedGen C2676739, MONDO:0012864, OMIM 612313.

Submissions (2):

GeneDx
Classification: Uncertain significance. Last evaluated: 2023-10-29. Review status: criteria provided, single submitter. Criteria: GeneDx Variant Classification Process June 2021. Collection method: clinical testing. Allele origin: germline. Affected: yes.
Comment: Not observed at significant frequency in large population cohorts (gnomAD); In silico analysis supports that this missense variant has a deleterious effect on protein structure/function; Has not been previously published as pathogenic or benign to our knowledge

Labcorp Genetics (formerly Invitae), Labcorp
Classification: Likely benign for Chromosome 2q32-q33 deletion syndrome. Last evaluated: 2019-09-18. Review status: criteria provided, single submitter. Criteria: Invitae Variant Classification Sherloc (09022015). Collection method: clinical testing. Allele origin: germline.

NM_001172509.2(SATB2):c.1995C>A (p.Asn665Lys)

Genes: SATB2 (SATB homeobox 2; minus strand), LOC126806462 (MED14-independent group 3 enhancer GRCh37_chr2:200136608-200137807; plus strand). Cytogenetic location: 2q33.1.
Variant type: single nucleotide variant.
Coding change: c.1995C>A on transcript NM_001172509.2 (MANE Select); coding-DNA position 1995, C replaced by A.
Protein change: p.Asn665Lys; replaces asparagine 665 with lysine.
Molecular consequence: missense variant.
Genome position (GRCh38, 1-based): chr2:199,272,418, G>T on the plus strand (C>A on the coding strand, the complement: SATB2 is on the minus strand). VCF-style: chr2-199272418-G-T. GRCh37 (hg19) VCF-style: chr2-200137141-G-T.
Other names: c.1995C>A, p.Asn665Lys (NM_001172517.1, NM_015265.4); short protein forms N665K.
Identifiers: ClinVar variation 833582 (VCV000833582.11), dbSNP rs1692187554, ClinGen allele CA350385536.